The following is an entry in ClinVar:

NM_001267550.2(TTN):c.88466T>A (p.Val29489Asp)

Genes: TTN (titin; minus strand), TTN-AS1 (TTN antisense RNA 1; plus strand). Cytogenetic location: 2q31.2.
Variant type: single nucleotide variant.
Coding change: c.88466T>A on transcript NM_001267550.2 (MANE Select); coding-DNA position 88466, T replaced by A.
Protein change: p.Val29489Asp; replaces valine 29489 with aspartic acid.
Molecular consequence: missense variant.
Genome position (GRCh38, 1-based): chr2:178,554,993, A>T on the plus strand (T>A on the coding strand, the complement: TTN is on the minus strand). VCF-style: chr2-178554993-A-T. GRCh37 (hg19) VCF-style: chr2-179419720-A-T.
Other names: c.83543T>A, p.Val27848Asp (NM_001256850.1); c.61271T>A, p.Val20424Asp (NM_003319.4); c.80762T>A, p.Val26921Asp (NM_133378.4); c.61646T>A, p.Val20549Asp (NM_133432.3); c.61847T>A, p.Val20616Asp (NM_133437.4); short protein forms V20424D, V20549D, V20616D, V26921D, V27848D, V29489D.
Identifiers: ClinVar variation 4057036 (VCV004057036.1).

ClinVar aggregate classification (germline): Uncertain significance (1 of 4 stars; one submission).

gnomAD v4.1: 1 of 1,613,680 alleles (0.000062%); highest among the groups gnomAD compares: Non-Finnish European, 0.000085%; no homozygotes.

Submission:

GeneDx
Classification: Uncertain significance. Last evaluated: 2025-01-13. Review status: criteria provided, single submitter. Criteria: GeneDx Variant Classification Process June 2021. Collection method: clinical testing. Allele origin: germline. Affected: yes.
Comment: Not observed at significant frequency in large population cohorts (gnomAD); Missense variant in a gene in which most reported pathogenic variants are truncating/loss of function; Has not been previously published as pathogenic or benign to our knowledge